The following is an entry in ClinVar:

NM_014806.5(RUSC2):c.192C>T (p.Ser64=)

Gene: RUSC2 (RUN and SH3 domain containing 2; plus strand). Cytogenetic location: 9p13.3.
Variant type: single nucleotide variant.
Coding change: c.192C>T on transcript NM_014806.5 (MANE Select); coding-DNA position 192, C replaced by T.
Protein change: p.Ser64=; no amino-acid change (serine 64 retained).
Molecular consequence: synonymous variant. On other transcripts: non-coding transcript variant (1), intron variant (1).
Genome position (GRCh38, 1-based): chr9:35,546,713, C>T. VCF-style: chr9-35546713-C-T. GRCh37 (hg19) VCF-style: chr9-35546710-C-T.
Other names: c.192C>T, p.Ser64= (NM_001135999.2); c.-620-8347C>T (NM_001330740.2).
Identifiers: ClinVar variation 1652489 (VCV001652489.15), dbSNP rs1411566126, ClinGen allele CA464605894.
Genomic context (GRCh38, chr9:35,546,713, plus strand): 5'-CTTCTGCCCACCTGAGCTGGGCATCACCCAGCCCGATCAAGACCTAGGACAAGCTGACTC[C>T]CTGCTATTCAGCAGCCTGCACTCTACTCCAGGAGGAACTGCACGGTCTATAGACAGCACC-3'
Protein context (NP_055621.2, residues 54-74): QPDQDLGQAD[Ser64=]LLFSSLHSTP

ClinVar aggregate classification (germline): Likely benign. Review status: criteria provided, multiple submitters, no conflicts (2 of 4 stars). 2 submissions from 2 submitters: Likely benign (2). Last evaluated 2025-09-01.

Allele frequency attached by ClinVar (database versions not stated): TOPMed 0.00001.
gnomAD v4.1: 2 of 1,560,602 alleles (0.00013%); highest among the groups gnomAD compares: Admixed American, 0.0038%; no homozygotes.

Submissions (2):

CeGaT Center for Human Genetics Tuebingen
Classification: Likely benign. Last evaluated: 2025-09-01. Review status: criteria provided, single submitter. Criteria: CeGaT Center For Human Genetics Tuebingen Variant Classification Criteria Version 2. Collection method: clinical testing. Allele origin: germline. Affected: yes. Observed: 1 variant allele.
Comment: RUSC2: BP4, BP7

Labcorp Genetics (formerly Invitae), Labcorp
Classification: Likely benign. Last evaluated: 2025-08-28. Review status: criteria provided, single submitter. Criteria: Invitae Variant Classification Sherloc (09022015). Collection method: clinical testing. Allele origin: germline.